The following is an entry in ClinVar:

ClinVar aggregate classification (germline): Uncertain significance. Review status: criteria provided, multiple submitters, no conflicts (2 of 4 stars). 6 submissions from 6 submitters: Uncertain significance (6). Last evaluated 2026-01-27.

Conditions:
Myofibrillar myopathy 5. Also called: Filaminopathy (type); FILAMINOPATHY, AUTOSOMAL DOMINANT. Identifiers: Orphanet 171445, MedGen C1836050, MONDO:0012289, OMIM 609524.
Hypertrophic cardiomyopathy 26. Also called: Cardiomyopathy, familial hypertrophic, 26. Identifiers: Orphanet 75249, MedGen C4310749, MONDO:0014883, OMIM 617047.
Distal myopathy with posterior leg and anterior hand involvement. Also called: WILLIAMS DISTAL MYOPATHY. Identifiers: Orphanet 63273, MedGen C3279722, MONDO:0013550, OMIM 614065.
Cardiovascular phenotype. Identifiers: MedGen CN230736.

Allele frequency attached by ClinVar (database versions not stated): ExAC 0.00002; gnomAD exomes 0.00002 and 0.00004; TOPMed 0.00003; gnomAD 0.00004.
gnomAD v4.1: 70 of 1,613,676 alleles (0.0043%); highest among the groups gnomAD compares: Middle Eastern, 0.016%; no homozygotes.

Submissions (6):

Labcorp Genetics (formerly Invitae), Labcorp
Classification: Uncertain significance for Distal myopathy with posterior leg and anterior hand involvement; Myofibrillar myopathy 5; Hypertrophic cardiomyopathy 26. Last evaluated: 2026-01-27. Review status: criteria provided, single submitter. Criteria: Invitae Variant Classification Sherloc (09022015). Collection method: clinical testing. Allele origin: germline.
Comment: This sequence change replaces glycine, which is neutral and non-polar, with serine, which is neutral and polar, at codon 722 of the FLNC protein (p.Gly722Ser). This variant is present in population databases (rs762248114, gnomAD 0.006%). This variant has not been reported in the literature in individuals affected with FLNC-related conditions. ClinVar contains an entry for this variant (Variation ID: 641020). Invitae Evidence Modeling of protein sequence and biophysical properties (such as structural, functional, and spatial information, amino acid conservation, physicochemical variation, residue mobility, and thermodynamic stability) has been performed for this missense variant. However, the output from this modeling did not meet the statistical confidence thresholds required to predict the impact of this variant on FLNC protein function. In summary, the available evidence is currently insufficient to determine the role of this variant in disease. Therefore, it has been classified as a Variant of Uncertain Significance.

Women's Health and Genetics/Laboratory Corporation of America, LabCorp
Classification: Uncertain significance. Last evaluated: 2025-12-23. Review status: criteria provided, single submitter. Criteria: LabCorp Variant Classification Summary - May 2015. Collection method: clinical testing. Allele origin: germline.
Comment: Variant summary: FLNC c.2164G>A (p.Gly722Ser) results in a non-conservative amino acid change in the encoded protein sequence. Algorithms developed to predict the effect of missense changes on protein structure and function all suggest that this variant is likely to be disruptive. The variant allele was found at a frequency of 2e-05 in 249044 control chromosomes. The available data on variant occurrences in the general population are insufficient to allow any conclusion about variant significance. To our knowledge, no occurrence of c.2164G>A in individuals affected with FLNC-related conditions and no experimental evidence demonstrating its impact on protein function have been reported. ClinVar contains an entry for this variant (Variation ID: 641020). Based on the evidence outlined above, the variant was classified as uncertain significance.

Ambry Genetics
Classification: Uncertain significance for Cardiovascular phenotype. Last evaluated: 2025-09-17. Review status: criteria provided, single submitter. Criteria: Ambry Variant Classification Scheme 2023. Collection method: clinical testing. Allele origin: germline.
Comment: The p.G722S variant (also known as c.2164G>A), located in coding exon 14 of the FLNC gene, results from a G to A substitution at nucleotide position 2164. The glycine at codon 722 is replaced by serine, an amino acid with similar properties. This amino acid position is well conserved in available vertebrate species. In addition, the in silico prediction for this alteration is inconclusive. Based on the available evidence, the clinical significance of this variant remains unclear.

Blueprint Genetics
Classification: Uncertain significance. Last evaluated: 2023-03-02. Review status: criteria provided, single submitter. Criteria: ACMG Guidelines, 2015. Collection method: clinical testing. Allele origin: germline.

Revvity Omics, Revvity
Classification: Uncertain significance. Last evaluated: 2021-08-18. Review status: criteria provided, single submitter. Criteria: ACMG Guidelines, 2015. Collection method: clinical testing. Allele origin: germline.

Neuberg Centre For Genomic Medicine, NCGM
Classification: Uncertain significance for Hypertrophic cardiomyopathy 26. Review status: criteria provided, single submitter. Criteria: ACMG Guidelines, 2015. Collection method: clinical testing. Allele origin: germline. Inheritance: Autosomal dominant inheritance. Affected: yes.

NM_001458.5(FLNC):c.2164G>A (p.Gly722Ser)

Gene: FLNC (filamin C; plus strand). Cytogenetic location: 7q32.1.
Variant type: single nucleotide variant.
Coding change: c.2164G>A on transcript NM_001458.5 (MANE Select); coding-DNA position 2164, G replaced by A.
Protein change: p.Gly722Ser; replaces glycine 722 with serine.
Molecular consequence: missense variant.
Genome position (GRCh38, 1-based): chr7:128,842,273, G>A. VCF-style: chr7-128842273-G-A. GRCh37 (hg19) VCF-style: chr7-128482327-G-A.
Other names: c.2164G>A, p.Gly722Ser (NM_001127487.2); short protein forms G722S.
Identifiers: ClinVar variation 641020 (VCV000641020.20), dbSNP rs762248114, ClinGen allele CA4474625.